The following is an entry in ClinVar:

NM_000384.3(APOB):c.2194A>G (p.Lys732Glu)

Gene: APOB (apolipoprotein B; minus strand). Cytogenetic location: 2p24.1.
Variant type: single nucleotide variant.
Coding change: c.2194A>G on transcript NM_000384.3 (MANE Select); coding-DNA position 2194, A replaced by G.
Protein change: p.Lys732Glu; replaces lysine 732 with glutamic acid.
Molecular consequence: missense variant.
Genome position (GRCh38, 1-based): chr2:21,026,838, T>C on the plus strand (A>G on the coding strand, the complement: APOB is on the minus strand). VCF-style: chr2-21026838-T-C. GRCh37 (hg19) VCF-style: chr2-21249710-T-C.
Other names: short protein forms K732E.
Identifiers: ClinVar variation 1787458 (VCV001787458.2), dbSNP rs2465416864, ClinGen allele CA346013154.

ClinVar aggregate classification (germline): Uncertain significance (1 of 4 stars; one submission).

Conditions:
Cardiovascular phenotype. Identifiers: MedGen CN230736.

Submission:

Ambry Genetics
Classification: Uncertain significance for Cardiovascular phenotype. Last evaluated: 2021-07-12. Review status: criteria provided, single submitter. Criteria: Ambry Variant Classification Scheme 2023. Collection method: clinical testing. Allele origin: germline.
Comment: The p.K732E variant (also known as c.2194A>G), located in coding exon 15 of the APOB gene, results from an A to G substitution at nucleotide position 2194. The lysine at codon 732 is replaced by glutamic acid, an amino acid with similar properties. This amino acid position is conserved. In addition, this alteration is predicted to be tolerated by in silico analysis. Since supporting evidence is limited at this time, the clinical significance of this alteration remains unclear.